The following is an entry in ClinVar:

NM_000419.5(ITGA2B):c.1815G>A (p.Pro605=)

Gene: ITGA2B (integrin subunit alpha 2b; minus strand). Cytogenetic location: 17q21.31.
Variant type: single nucleotide variant.
Coding change: c.1815G>A on transcript NM_000419.5 (MANE Select); coding-DNA position 1815, G replaced by A.
Protein change: p.Pro605=; no amino-acid change (proline 605 retained).
Molecular consequence: synonymous variant.
Genome position (GRCh38, 1-based): chr17:44,379,752, C>T on the plus strand (G>A on the coding strand, the complement: ITGA2B is on the minus strand). VCF-style: chr17-44379752-C-T. GRCh37 (hg19) VCF-style: chr17-42457120-C-T.
Other names: NM_000419.5(ITGA2B):c.1815G>A; p.Pro605=; c.1815G>A (LRG_479t1).
Identifiers: ClinVar variation 323551 (VCV000323551.18), dbSNP rs5912, ClinGen allele CA8602938.

ClinVar aggregate classification (germline): Benign. Review status: reviewed by expert panel (3 of 4 stars). 6 submissions from 6 submitters: Benign (1). 5 of the submissions do not count toward it. Last evaluated 2022-06-13.

Conditions:
Glanzmann thrombasthenia. Also called: THROMBASTHENIA OF GLANZMANN AND NAEGELI; Glanzmann's thrombasthenia; PLATELET GLYCOPROTEIN IIb-IIIa DEFICIENCY; Thrombasthenia. Identifiers: Orphanet 849, MedGen C0040015, MONDO:0100326.

Allele frequency attached by ClinVar (database versions not stated): 1000 Genomes Project 30x 0.01140; 1000 Genomes Project 0.01178; TOPMed 0.01665; ESP Exome Variant Server 0.01853.
gnomAD v4.1: 12,597 of 1,613,830 alleles (0.78%); highest among the groups gnomAD compares: African/African-American, 3.9%; 113 homozygotes.

Submissions (6):

ClinGen Platelet Disorders Variant Curation Expert Panel, ClinGen
Classification: Benign for Glanzmann thrombasthenia. Last evaluated: 2022-06-13. Review status: reviewed by expert panel. Criteria: ClinGen Platelet ACMG Specifications v2-1. Collection method: curation. Allele origin: germline. Inheritance: Autosomal recessive inheritance.
Comment: The c.1815G>A variant is a synonymous (silent) variant (p.Pro605=) that is not predicted by SpliceAI to impact splicing (BP4). The highest population minor allele frequency in gnomAD v3.1.2 is 0.03782 (1565/41378 alleles) in African/African American population, which is higher than the ClinGen PD VCEP threshold (>0.0024) for BA1, and therefore meets this criterion (BA1). In summary, this variant meets the criteria to be classified as benign for autosomal recessive Glanzmann Thrombasthenia based on the ACMG/AMP criteria applied, as specified by the ClinGen PD VCEP: BA1, BP4, BP7. (VCEP specifications version 2; date of approval 4/14/2022)

Labcorp Genetics (formerly Invitae), Labcorp
Classification: Benign for Glanzmann thrombasthenia. Last evaluated: 2026-02-01. Review status: criteria provided, single submitter. Criteria: Invitae Variant Classification Sherloc (09022015). Collection method: clinical testing. Allele origin: germline. Not counted in ClinVar's aggregate classification.

Blueprint Genetics
Classification: Likely benign. Last evaluated: 2024-11-27. Review status: criteria provided, single submitter. Criteria: ACMG Guidelines, 2015. Collection method: clinical testing. Allele origin: germline. Not counted in ClinVar's aggregate classification.

Mayo Clinic Laboratories, Mayo Clinic
Classification: Benign. Last evaluated: 2023-08-29. Review status: criteria provided, single submitter. Criteria: ACMG Guidelines, 2015. Collection method: clinical testing. Allele origin: germline. Observed: 23 variant alleles. Not counted in ClinVar's aggregate classification.
Comment: BA1, BP4, BP7

Illumina Laboratory Services, Illumina
Classification: Benign for Glanzmann thrombasthenia 1. Last evaluated: 2018-01-13. Review status: criteria provided, single submitter. Criteria: ICSL Variant Classification Criteria 13 December 2019. Collection method: clinical testing. Allele origin: germline. Not counted in ClinVar's aggregate classification.
Comment: This variant was observed in the ICSL laboratory as part of a predisposition screen in an ostensibly healthy population. It had not been previously curated by ICSL or reported in the Human Gene Mutation Database (HGMD: prior to June 1st, 2018), and was therefore a candidate for classification through an automated scoring system. Utilizing variant allele frequency, disease prevalence and penetrance estimates, and inheritance mode, an automated score was calculated to assess if this variant is too frequent to cause the disease. Based on the score and internal cut-off values, a variant classified as benign is not then subjected to further curation. The score for this variant resulted in a classification of benign for this disease.

Breakthrough Genomics
Classification: Benign. Review status: criteria provided, single submitter. Criteria: ACMG Guidelines, 2015. Collection method: not provided. Allele origin: germline. Inheritance: Autosomal recessive inheritance. Affected: yes. Not counted in ClinVar's aggregate classification.